The following is an entry in ClinVar:

NM_004082.5(DCTN1):c.3598G>A (p.Glu1200Lys)

Gene: DCTN1 (dynactin subunit 1; minus strand). Cytogenetic location: 2p13.1.
Variant type: single nucleotide variant.
Coding change: c.3598G>A on transcript NM_004082.5 (MANE Select); coding-DNA position 3598, G replaced by A.
Protein change: p.Glu1200Lys; replaces glutamic acid 1200 with lysine.
Molecular consequence: missense variant. On other transcripts: non-coding transcript variant (1).
Genome position (GRCh38, 1-based): chr2:74,362,661, C>T on the plus strand (G>A on the coding strand, the complement: DCTN1 is on the minus strand). VCF-style: chr2-74362661-C-T. GRCh37 (hg19) VCF-style: chr2-74589788-C-T.
Other names: c.3523G>A, p.Glu1175Lys (NM_001135040.3); c.3181G>A, p.Glu1061Lys (NM_001135041.3); c.3472G>A, p.Glu1158Lys (NM_001190836.2); c.3577G>A, p.Glu1193Lys (NM_001190837.2); c.3547G>A, p.Glu1183Lys (NM_001378991.1); c.3529G>A, p.Glu1177Lys (NM_001378992.1); c.3196G>A, p.Glu1066Lys (NM_023019.4); short protein forms E1066K, E1175K, E1158K, E1061K, E1177K, E1183K, E1193K, E1200K.
Identifiers: ClinVar variation 4238270 (VCV004238270.3).

ClinVar aggregate classification (germline): Uncertain significance. Review status: criteria provided, multiple submitters, no conflicts (2 of 4 stars). 2 submissions from 2 submitters: Uncertain significance (2). Last evaluated 2025-08-30.

Conditions:
Inborn genetic diseases. Identifiers: MedGen C0950123, MeSH D030342.

Submissions (2):

Ambry Genetics
Classification: Uncertain significance for Inborn genetic diseases. Last evaluated: 2025-08-30. Review status: criteria provided, single submitter. Criteria: Ambry Variant Classification Scheme 2023. Collection method: clinical testing. Allele origin: germline.

Dasa
Classification: Uncertain significance. Last evaluated: 2025-03-05. Review status: criteria provided, single submitter. Criteria: DASA Assertion Criteria. Collection method: clinical testing. Allele origin: germline.
Comment: NM_004082.5(DCTN1):c.3598G>A (p.Glu1200Lys) is a missense variant that results in the substitution of glutamic acid with lysine. This variant is rare in population databases. Computational prediction algorithms are consistent with a benign effect. The currently available literature and clinical evidence are not sufficient to establish a definitive association between this variant and the reported condition. Therefore, this variant is classified as a variant of uncertain significance.